The following is an entry in ClinVar:

NM_001127511.3(APC):c.146del (p.His49fs)

Gene: APC (APC regulator of Wnt signaling pathway; plus strand). Cytogenetic location: 5q22.2.
Variant type: Deletion.
Coding change: c.146del on transcript NM_001127511.3; coding-DNA position 146, one base deleted (A; older notation c.146delA).
Protein change: p.His49fs; shifts the reading frame from histidine 49.
Molecular consequence: frameshift variant. On other transcripts: 5 prime UTR variant (8), non-coding transcript variant (1), intron variant (5).
Genome position (GRCh38, 1-based): chr5:112,707,863, A deleted. VCF-style (leftmost placement, unchanged base first): chr5-112707862-CA-C. GRCh37 (hg19) VCF-style: chr5-112043559-CA-C.
Other names: c.-38del (NM_001354895.2, NM_001407447.1, NM_001407452.1 and 3 more transcripts); c.146del, p.His49fs (NM_001354897.2, NM_001354902.2, NM_001407446.1); c.-1073del (NM_001407470.1, NM_001407472.1); c.-19+214del (NM_001407448.1, NM_001407450.1, NM_001407457.1 and 1 more transcripts); c.-43+214del (NM_001407453.1); short protein forms H49fs.
Identifiers: ClinVar variation 1012016 (VCV001012016.9), dbSNP rs1750616412, ClinGen allele CA1573442791.

ClinVar aggregate classification (germline): Uncertain significance (1 of 4 stars; one submission).

Conditions:
Familial adenomatous polyposis 1 (FAP1). Also called: FAMILIAL ADENOMATOUS POLYPOSIS 1, ATTENUATED; POLYPOSIS, ADENOMATOUS INTESTINAL. Identifiers: MedGen C2713442, MONDO:0021056, OMIM 175100. Disease mechanism: loss of function.

Submission:

Labcorp Genetics (formerly Invitae), Labcorp
Classification: Uncertain significance for Familial adenomatous polyposis 1. Last evaluated: 2020-03-29. Review status: criteria provided, single submitter. Criteria: Invitae Variant Classification Sherloc (09022015). Collection method: clinical testing. Allele origin: germline.
Comment: This variant occurs in a non-coding region of the APC gene. It does not change the encoded amino acid sequence of the APC protein. In summary, the available evidence is currently insufficient to determine the role of this variant in disease. Therefore, it has been classified as a Variant of Uncertain Significance. Experimental studies and prediction algorithms are not available for this variant, and the functional significance of this non-coding change is currently unknown. This variant has not been reported in the literature in individuals with APC-related conditions. The frequency data for this variant in the population databases is considered unreliable, as metrics indicate insufficient coverage at this position in the ExAC database.